The following is an entry in ClinVar:

NM_018972.4(GDAP1):c.362T>G (p.Val121Gly)

Gene: GDAP1 (ganglioside induced differentiation associated protein 1; plus strand). Cytogenetic location: 8q21.11.
Variant type: single nucleotide variant.
Coding change: c.362T>G on transcript NM_018972.4 (MANE Select); coding-DNA position 362, T replaced by G.
Protein change: p.Val121Gly; replaces valine 121 with glycine.
Molecular consequence: missense variant. On other transcripts: intron variant (1).
Genome position (GRCh38, 1-based): chr8:74,360,188, T>G. VCF-style: chr8-74360188-T-G. GRCh37 (hg19) VCF-style: chr8-75272423-T-G.
Other names: c.158T>G, p.Val53Gly (NM_001040875.4); c.35T>G, p.Val12Gly (NM_001362929.2, NM_001362932.2); c.362T>G, p.Val121Gly (NM_001362931.2); c.311-1696T>G (NM_001362930.2); short protein forms V12G, V121G, V53G.
Identifiers: ClinVar variation 4693284 (VCV004693284.1).

ClinVar aggregate classification (germline): Uncertain significance (1 of 4 stars; one submission).

Conditions:
Charcot-Marie-Tooth disease type 4A. Also called: Charcot-Marie-Tooth disease, demyelinating, autosomal recessive, type 4a. Identifiers: Orphanet 99948, MedGen C1859198, MONDO:0008961, OMIM 214400.

Submission:

Labcorp Genetics (formerly Invitae), Labcorp
Classification: Uncertain significance for Charcot-Marie-Tooth disease type 4A. Last evaluated: 2025-05-08. Review status: criteria provided, single submitter. Criteria: Invitae Variant Classification Sherloc (09022015). Collection method: clinical testing. Allele origin: germline.
Comment: This sequence change replaces valine, which is neutral and non-polar, with glycine, which is neutral and non-polar, at codon 121 of the GDAP1 protein (p.Val121Gly). This variant is not present in population databases (gnomAD no frequency). This variant has not been reported in the literature in individuals affected with GDAP1-related conditions. Invitae Evidence Modeling of protein sequence and biophysical properties (such as structural, functional, and spatial information, amino acid conservation, physicochemical variation, residue mobility, and thermodynamic stability) indicates that this missense variant is expected to disrupt GDAP1 protein function with a positive predictive value of 80%. In summary, the available evidence is currently insufficient to determine the role of this variant in disease. Therefore, it has been classified as a Variant of Uncertain Significance.